The following is an entry in ClinVar:

NM_000726.5(CACNB4):c.*5855A>C

Gene: CACNB4 (calcium voltage-gated channel auxiliary subunit beta 4; minus strand). Cytogenetic location: 2q23.3.
Variant type: single nucleotide variant.
Coding change: c.*5855A>C on transcript NM_000726.5 (MANE Select); 5855 bases downstream of the stop codon, A replaced by C.
Molecular consequence: 3 prime UTR variant.
Genome position (GRCh38, 1-based): chr2:151,833,264, T>G on the plus strand (A>C on the coding strand, the complement: CACNB4 is on the minus strand). VCF-style: chr2-151833264-T-G. GRCh37 (hg19) VCF-style: chr2-152689778-T-G.
Other names: c.*5855A>C (NM_001005746.4, NM_001005747.4, NM_001145798.3 and 7 more transcripts).
Identifiers: ClinVar variation 331552 (VCV000331552.6), dbSNP rs118093432, ClinGen allele CA10612494.
Genomic context (GRCh38, chr2:151,833,264, plus strand): 5'-TTACATCATTTTGCCATATTTCTGTTTTAGTATGTTTTATGTTAATACATTTATTTTTTA[T>G]TCCTTCCCACCATCCCTACAAAAACACAGCTAATGGCTTTAACTTATGTTTCAAAGTAGT-3'

ClinVar aggregate classification (germline): Benign (1 of 4 stars; one submission).

Conditions:
Episodic ataxia type 5. Identifiers: Orphanet 211067, MedGen C1866039, MONDO:0013464, OMIM 613855.

Allele frequency attached by ClinVar (database versions not stated): 1000 Genomes Project 0.01258; gnomAD 0.00312 and 0.00358; TOPMed 0.00398; 1000 Genomes Project 30x 0.01156.

Submission:

Illumina Laboratory Services, Illumina
Classification: Benign for Episodic ataxia type 5. Last evaluated: 2018-01-13. Review status: criteria provided, single submitter. Criteria: ICSL Variant Classification Criteria 13 December 2019. Collection method: clinical testing. Allele origin: germline.
Comment: This variant was observed in the ICSL laboratory as part of a predisposition screen in an ostensibly healthy population. It had not been previously curated by ICSL or reported in the Human Gene Mutation Database (HGMD: prior to June 1st, 2018), and was therefore a candidate for classification through an automated scoring system. Utilizing variant allele frequency, disease prevalence and penetrance estimates, and inheritance mode, an automated score was calculated to assess if this variant is too frequent to cause the disease. Based on the score and internal cut-off values, a variant classified as benign is not then subjected to further curation. The score for this variant resulted in a classification of benign for this disease.